The following is an entry in ClinVar:

NM_004715.5(CTDP1):c.2380A>G (p.Ser794Gly)

Gene: CTDP1 (CTD phosphatase subunit 1; plus strand). Cytogenetic location: 18q23.
Variant type: single nucleotide variant.
Coding change: c.2380A>G on transcript NM_004715.5 (MANE Select); coding-DNA position 2380, A replaced by G.
Protein change: p.Ser794Gly; replaces serine 794 with glycine.
Molecular consequence: missense variant.
Genome position (GRCh38, 1-based): chr18:79,717,979, A>G. VCF-style: chr18-79717979-A-G. GRCh37 (hg19) VCF-style: chr18-77477979-A-G.
Other names: c.2023A>G, p.Ser675Gly (NM_001202504.1); c.2380A>G, p.Ser794Gly (NM_001318511.2, NM_048368.4); short protein forms S794G, S675G.
Identifiers: ClinVar variation 2077044 (VCV002077044.4), dbSNP rs2512100065, ClinGen allele CA402833520.
Genomic context (GRCh38, chr18:79,717,979, plus strand): 5'-TACGACTCCAACACGGGGAAGCTCATCAGGACGGGCGCCCGGGGGCCCCCAGCACCCTCC[A>G]GCTCCCTACCCATCCGCCAGGAGCCCTCTTCCTTCAGGTACGTGGCGGCCCAGCCACTGT-3'
Protein context (NP_004706.3, residues 784-804): TGARGPPAPS[Ser794Gly]SLPIRQEPSS

ClinVar aggregate classification (germline): Uncertain significance (1 of 4 stars; one submission).

Submission:

Labcorp Genetics (formerly Invitae), Labcorp
Classification: Uncertain significance. Last evaluated: 2022-01-07. Review status: criteria provided, single submitter. Criteria: Invitae Variant Classification Sherloc (09022015). Collection method: clinical testing. Allele origin: germline.
Comment: This sequence change replaces serine, which is neutral and polar, with glycine, which is neutral and non-polar, at codon 794 of the CTDP1 protein (p.Ser794Gly). This variant is not present in population databases (gnomAD no frequency). This variant has not been reported in the literature in individuals affected with CTDP1-related conditions. Algorithms developed to predict the effect of missense changes on protein structure and function output the following: SIFT: "Tolerated"; PolyPhen-2: "Benign"; Align-GVGD: "Class C0". The glycine amino acid residue is found in multiple mammalian species, which suggests that this missense change does not adversely affect protein function. In summary, the available evidence is currently insufficient to determine the role of this variant in disease. Therefore, it has been classified as a Variant of Uncertain Significance.